The following is an entry in ClinVar:

NM_021076.4(NEFH):c.2092G>A (p.Val698Met)

Gene: NEFH (neurofilament heavy chain; plus strand). Cytogenetic location: 22q12.2.
Variant type: single nucleotide variant.
Coding change: c.2092G>A on transcript NM_021076.4 (MANE Select); coding-DNA position 2092, G replaced by A.
Protein change: p.Val698Met; replaces valine 698 with methionine.
Molecular consequence: missense variant.
Genome position (GRCh38, 1-based): chr22:29,489,732, G>A. VCF-style: chr22-29489732-G-A. GRCh37 (hg19) VCF-style: chr22-29885721-G-A.
Other names: short protein forms V698M.
Identifiers: ClinVar variation 2783610 (VCV002783610.3), dbSNP rs2517978385, ClinGen allele CA411135670.

ClinVar aggregate classification (germline): Uncertain significance (1 of 4 stars; one submission).

Submission:

Labcorp Genetics (formerly Invitae), Labcorp
Classification: Uncertain significance. Last evaluated: 2023-05-05. Review status: criteria provided, single submitter. Criteria: Invitae Variant Classification Sherloc (09022015). Collection method: clinical testing. Allele origin: germline.
Comment: In summary, the available evidence is currently insufficient to determine the role of this variant in disease. Therefore, it has been classified as a Variant of Uncertain Significance. This sequence change replaces valine, which is neutral and non-polar, with methionine, which is neutral and non-polar, at codon 698 of the NEFH protein (p.Val698Met). This variant is not present in population databases (gnomAD no frequency). This variant has not been reported in the literature in individuals affected with NEFH-related conditions. Advanced modeling of protein sequence and biophysical properties (such as structural, functional, and spatial information, amino acid conservation, physicochemical variation, residue mobility, and thermodynamic stability) performed at Invitae indicates that this missense variant is not expected to disrupt NEFH protein function.